The following is an entry in ClinVar:

ClinVar aggregate classification (germline): Likely benign. Review status: criteria provided, single submitter (1 of 4 stars). 2 submissions from 2 submitters: Likely benign (1). 1 of the submissions does not count toward it. Last evaluated 2024-11-26.

Conditions:
HIP1-related disorder. Also called: HIP1-related condition.

Allele frequency attached by ClinVar (database versions not stated): gnomAD exomes 0.00076; ExAC 0.00106; 1000 Genomes Project 0.00160; ESP Exome Variant Server 0.00161; gnomAD 0.00166; 1000 Genomes Project 30x 0.00172; TOPMed 0.00192.
gnomAD v4.1: 1,356 of 1,614,206 alleles (0.084%); highest among the groups gnomAD compares: African/African-American, 0.32%; 1 homozygote.

Submissions (2):

Blueprint Genetics
Classification: Likely benign. Last evaluated: 2024-11-26. Review status: criteria provided, single submitter. Criteria: ACMG Guidelines, 2015. Collection method: clinical testing. Allele origin: germline.

PreventionGenetics, part of Exact Sciences
Classification: Likely benign for HIP1-related condition. Last evaluated: 2019-06-24. Review status: no assertion criteria provided. Collection method: clinical testing. Allele origin: germline. Not counted in ClinVar's aggregate classification.
Comment: This variant is classified as likely benign based on ACMG/AMP sequence variant interpretation guidelines (Richards et al. 2015 PMID: 25741868, with internal and published modifications).

NM_005338.7(HIP1):c.1431G>A (p.Glu477=)

Gene: HIP1 (huntingtin interacting protein 1; minus strand). Cytogenetic location: 7q11.23.
Variant type: single nucleotide variant.
Coding change: c.1431G>A on transcript NM_005338.7 (MANE Select); coding-DNA position 1431, G replaced by A.
Protein change: p.Glu477=; no amino-acid change (glutamic acid 477 retained).
Molecular consequence: synonymous variant.
Genome position (GRCh38, 1-based): chr7:75,558,200, C>T on the plus strand (G>A on the coding strand, the complement: HIP1 is on the minus strand). VCF-style: chr7-75558200-C-T. GRCh37 (hg19) VCF-style: chr7-75187504-C-T.
Other names: c.1431G>A, p.Glu477= (NM_001243198.3); c.1329G>A, p.Glu443= (NM_001382444.1); c.1344G>A, p.Glu448= (NM_001382445.1).
Identifiers: ClinVar variation 3043058 (VCV003043058.3), dbSNP rs150253964, ClinGen allele CA4302300.